The following is an entry in ClinVar:

ClinVar aggregate classification (germline): Uncertain significance (1 of 4 stars; one submission).

Conditions:
Hypertrophic cardiomyopathy. Also called: HYPERTROPHIC MYOCARDIOPATHY. Identifiers: Orphanet 217569, MedGen C0007194, MeSH D002312, MONDO:0005045, HP:0001639.

Allele frequency attached by ClinVar (database versions not stated): gnomAD exomes below 0.00001.
gnomAD v4.1: 1 of 1,613,780 alleles (0.000062%); highest among the groups gnomAD compares: Non-Finnish European, 0.000085%; no homozygotes.

Submission:

Labcorp Genetics (formerly Invitae), Labcorp
Classification: Uncertain significance for Hypertrophic cardiomyopathy. Last evaluated: 2025-01-13. Review status: criteria provided, single submitter. Criteria: Invitae Variant Classification Sherloc (09022015). Collection method: clinical testing. Allele origin: germline.
Comment: This sequence change falls in intron 25 of the MYOM1 gene. It does not directly change the encoded amino acid sequence of the MYOM1 protein. It affects a nucleotide within the consensus splice site. This variant is not present in population databases (gnomAD no frequency). This variant has not been reported in the literature in individuals affected with MYOM1-related conditions. ClinVar contains an entry for this variant (Variation ID: 2961208). Variants that disrupt the consensus splice site are a relatively common cause of aberrant splicing (PMID: 17576681, 9536098). Algorithms developed to predict the effect of sequence changes on RNA splicing suggest that this variant may disrupt the consensus splice site. In summary, the available evidence is currently insufficient to determine the role of this variant in disease. Therefore, it has been classified as a Variant of Uncertain Significance.

Literature cited by the submitters: PubMed 17576681; PubMed 9536098.

NM_003803.4(MYOM1):c.3727+5G>A

Gene: MYOM1 (myomesin 1; minus strand). Cytogenetic location: 18p11.31.
Variant type: single nucleotide variant.
Coding change: c.3727+5G>A on transcript NM_003803.4 (MANE Select); 5 bases into the intron after coding-DNA position 3727, G replaced by A.
Molecular consequence: intron variant.
Genome position (GRCh38, 1-based): chr18:3,100,154, C>T on the plus strand (G>A on the coding strand, the complement: MYOM1 is on the minus strand). VCF-style: chr18-3100154-C-T. GRCh37 (hg19) VCF-style: chr18-3100152-C-T.
Other names: c.3439+5G>A (NM_019856.2).
Identifiers: ClinVar variation 2961208 (VCV002961208.3), dbSNP rs2510540185, ClinGen allele CA2640837778.